The following is an entry in ClinVar:

NM_001374828.1(ARID1B):c.3692_3693del (p.Lys1231fs)

Gene: ARID1B (AT-rich interaction domain 1B; plus strand). Cytogenetic location: 6q25.3.
Variant type: Deletion.
Coding change: c.3692_3693del on transcript NM_001374828.1 (MANE Select); coding-DNA positions 3692 to 3693, 2 bases deleted (AA; older notation c.3692_3693delAA).
Protein change: p.Lys1231fs; shifts the reading frame from lysine 1231.
Molecular consequence: frameshift variant.
Genome position (GRCh38, 1-based): chr6:157,181,156-157,181,157, AA deleted; deleting any 2 consecutive bases within chr6:157,181,155-157,181,157 gives the same sequence; the c. name uses the placement nearest the transcript's 3' end. VCF-style (leftmost placement, unchanged base first): chr6-157181154-CAA-C. GRCh37 (hg19) VCF-style: chr6-157502288-CAA-C.
Other names: c.3323_3324del, p.Lys1108fs (NM_020732.3); c.3323_3324delAA (NM_020732.3); c.1193_1194del, p.Lys398fs (NM_001363725.2); c.3572_3573del, p.Lys1191fs (NM_001371656.1, NM_001374820.1); c.3533_3534del, p.Lys1178fs (NM_017519.3); short protein forms K398fs, K1108fs, K1178fs, K1191fs, K1231fs.
Identifiers: ClinVar variation 31211 (VCV000031211.36), dbSNP rs876657380, ClinGen allele CA10575557.
Genomic context (GRCh38, chr6:157,181,154, plus strand): 5'-CTCAAGTCTGCCTGCCGTGGGCAAGAAGCCCCTGGACCTGTTCCGACTCTACGTCTGCGT[CAA>C]AGAGATCGGGGGTTTGGCCCAGGTAAGAATGAGTGAGGGAGGGGGTGAAAAAGGAAGCAT-3'

ClinVar aggregate classification (germline): Pathogenic. Review status: criteria provided, multiple submitters, no conflicts (2 of 4 stars). 3 submissions from 3 submitters: Pathogenic (2). 1 of the submissions does not count toward it. Last evaluated 2022-06-01.

Conditions:
Coffin-Siris syndrome 1 (CSS1). Also called: Mental retardation, autosomal dominant 12; ARID1B-Related Coffin-Siris Syndrome. Identifiers: Orphanet 1465, MedGen C3281201, MONDO:0007617, OMIM 135900. Disease mechanism: gain of function.

Submissions (3):

CeGaT Center for Human Genetics Tuebingen
Classification: Pathogenic. Last evaluated: 2022-06-01. Review status: criteria provided, single submitter. Criteria: CeGaT Center For Human Genetics Tuebingen Variant Classification Criteria Version 2. Collection method: clinical testing. Allele origin: germline. Affected: yes. Observed: 1 variant allele.
Comment: ARID1B: PM6:Strong, PVS1:Strong, PM2, PS4:Supporting

Institute for Genomic Statistics and Bioinformatics, University Hospital Bonn
Classification: Pathogenic for Coffin-Siris syndrome 1. Review status: criteria provided, single submitter. Criteria: ACMG Guidelines, 2015. Collection method: clinical testing. Allele origin: unknown. Affected: yes. Observed: 1 variant allele.

OMIM
Classification: Pathogenic for COFFIN-SIRIS SYNDROME 1. Last evaluated: 2012-03-09. Review status: no assertion criteria provided. Collection method: literature only. Allele origin: germline. Not counted in ClinVar's aggregate classification.

Literature cited by the submitters: PubMed 22405089 (cited by OMIM).